The following is an entry in ClinVar:

ClinVar aggregate classification (germline): Uncertain significance. Review status: criteria provided, multiple submitters, no conflicts (2 of 4 stars). 2 submissions from 2 submitters: Uncertain significance (2). Last evaluated 2022-07-06.

Conditions:
Inborn genetic diseases. Identifiers: MedGen C0950123, MeSH D030342.
Temtamy syndrome (TEMTYS). Also called: MENTAL RETARDATION WITH OR WITHOUT CRANIOFACIAL DYSMORPHISM, OCULAR COLOBOMA, OR ABNORMAL CORPUS CALLOSUM. Identifiers: Orphanet 1777, MedGen C1857512, MONDO:0009033, OMIM 218340.

Allele frequency attached by ClinVar (database versions not stated): gnomAD exomes 0.00002 and 0.00006; gnomAD 0.00004; TOPMed 0.00004; ExAC 0.00007; ESP Exome Variant Server 0.00008.
gnomAD v4.1: 41 of 1,613,666 alleles (0.0025%); highest among the groups gnomAD compares: South Asian, 0.035%; no homozygotes.

Submissions (2):

Labcorp Genetics (formerly Invitae), Labcorp
Classification: Uncertain significance for Temtamy syndrome. Last evaluated: 2022-07-06. Review status: criteria provided, single submitter. Criteria: Invitae Variant Classification Sherloc (09022015). Collection method: clinical testing. Allele origin: germline.
Comment: This sequence change replaces valine, which is neutral and non-polar, with isoleucine, which is neutral and non-polar, at codon 85 of the C12orf57 protein (p.Val85Ile). This variant is present in population databases (rs368683747, gnomAD 0.04%). This variant has not been reported in the literature in individuals affected with C12orf57-related conditions. ClinVar contains an entry for this variant (Variation ID: 1681837). Algorithms developed to predict the effect of missense changes on protein structure and function (SIFT, PolyPhen-2, Align-GVGD) all suggest that this variant is likely to be tolerated. In summary, the available evidence is currently insufficient to determine the role of this variant in disease. Therefore, it has been classified as a Variant of Uncertain Significance.

Ambry Genetics
Classification: Uncertain significance for Inborn genetic diseases. Last evaluated: 2022-03-31. Review status: criteria provided, single submitter. Criteria: Ambry Variant Classification Scheme 2023. Collection method: clinical testing. Allele origin: germline.

NM_138425.4(C12orf57):c.253G>A (p.Val85Ile)

Gene: C12orf57 (chromosome 12 open reading frame 57; plus strand). Cytogenetic location: 12p13.31.
Variant type: single nucleotide variant.
Coding change: c.253G>A on transcript NM_138425.4 (MANE Select); coding-DNA position 253, G replaced by A.
Protein change: p.Val85Ile; replaces valine 85 with isoleucine.
Molecular consequence: missense variant. On other transcripts: non-coding transcript variant (1).
Genome position (GRCh38, 1-based): chr12:6,945,794, G>A. VCF-style: chr12-6945794-G-A. GRCh37 (hg19) VCF-style: chr12-7054957-G-A.
Other names: c.253G>A, p.Val85Ile (NM_001301834.1); c.214G>A, p.Val72Ile (NM_001301836.2); c.166G>A, p.Val56Ile (NM_001301837.2); c.148G>A, p.Val50Ile (NM_001301838.2); c.253G>A (NM_138425.2); short protein forms V50I, V56I, V72I, V85I.
Identifiers: ClinVar variation 1681837 (VCV001681837.8), dbSNP rs368683747, ClinGen allele CA6421339.